The following is an entry in ClinVar:

NM_001022.4(RPS19):c.173-3del

Genes: RPS19 (ribosomal protein S19; plus strand), RPS19-CD79A (RPS19-CD79A readthrough; plus strand). Cytogenetic location: 19q13.2.
Variant type: Deletion.
Coding change: c.173-3del on transcript NM_001022.4 (MANE Select); 3 bases into the intron before coding-DNA position 173, one base deleted (C; older notation c.173-3delC).
Molecular consequence: intron variant.
Genome position (GRCh38, 1-based): chr19:41,869,028, C deleted; the last of 5 consecutive C bases (chr19:41,869,024-41,869,028); deleting any one gives the same sequence. VCF-style (leftmost placement, unchanged base first): chr19-41869023-AC-A. GRCh37 (hg19) VCF-style: chr19-42373093-AC-A.
Other names: c.173-3del (NM_001321484.2, NM_001321483.2); c.186-3del (NM_001321485.2).
Identifiers: ClinVar variation 1809841 (VCV001809841.1), dbSNP rs2513682812, ClinGen allele CA2580097294.

ClinVar aggregate classification (germline): Uncertain significance (1 of 4 stars; one submission).

Submission:

GeneDx
Classification: Uncertain significance. Last evaluated: 2022-06-27. Review status: criteria provided, single submitter. Criteria: GeneDx Variant Classification Process June 2021. Collection method: clinical testing. Allele origin: germline. Affected: yes.
Comment: Not observed at significant frequency in large population cohorts (gnomAD); In silico analysis supports a deleterious effect on splicing; Has not been previously published as pathogenic or benign to our knowledge